The following is an entry in ClinVar:

ClinVar aggregate classification (germline): Uncertain significance. Review status: criteria provided, multiple submitters, no conflicts (2 of 4 stars). 3 submissions from 3 submitters: Uncertain significance (3). Last evaluated 2023-05-30.

Conditions:
Bethlem myopathy 1A. Also called: Bethlem Muscular Dystrophy; MYOPATHY, BENIGN CONGENITAL, WITH CONTRACTURES; Bethlem myopathy 1. Identifiers: Orphanet 610, MedGen CN029274, MONDO:0024530, OMIM 158810.

Allele frequency attached by ClinVar (database versions not stated): gnomAD exomes below 0.00001 and 0.00001.
gnomAD v4.1: 3 of 1,604,170 alleles (0.00019%); highest among the groups gnomAD compares: South Asian, 0.0033%; no homozygotes.

Submissions (3):

Labcorp Genetics (formerly Invitae), Labcorp
Classification: Uncertain significance for Bethlem myopathy 1A. Last evaluated: 2023-05-30. Review status: criteria provided, single submitter. Criteria: Invitae Variant Classification Sherloc (09022015). Collection method: clinical testing. Allele origin: germline.
Comment: This sequence change replaces valine, which is neutral and non-polar, with alanine, which is neutral and non-polar, at codon 824 of the COL6A2 protein (p.Val824Ala). In summary, the available evidence is currently insufficient to determine the role of this variant in disease. Therefore, it has been classified as a Variant of Uncertain Significance. Advanced modeling of protein sequence and biophysical properties (such as structural, functional, and spatial information, amino acid conservation, physicochemical variation, residue mobility, and thermodynamic stability) has been performed at Invitae for this missense variant, however the output from this modeling did not meet the statistical confidence thresholds required to predict the impact of this variant on COL6A2 protein function. ClinVar contains an entry for this variant (Variation ID: 497340). This variant has not been reported in the literature in individuals affected with COL6A2-related conditions. The frequency data for this variant in the population databases is considered unreliable, as metrics indicate poor data quality at this position in the gnomAD database.

Mayo Clinic Laboratories, Mayo Clinic
Classification: Uncertain significance. Last evaluated: 2019-08-19. Review status: criteria provided, single submitter. Criteria: ACMG Guidelines, 2015. Collection method: clinical testing. Allele origin: germline. Observed: 1 variant allele.

Eurofins Ntd Llc (ga)
Classification: Uncertain significance. Last evaluated: 2016-09-28. Review status: criteria provided, single submitter. Criteria: EGL Classification Definitions 2015. Collection method: clinical testing. Allele origin: germline. Observed: 1 variant allele, 1 heterozygote.

NM_001849.4(COL6A2):c.2471T>C (p.Val824Ala)

Gene: COL6A2 (collagen type VI alpha 2 chain; plus strand). Cytogenetic location: 21q22.3.
Variant type: single nucleotide variant.
Coding change: c.2471T>C on transcript NM_001849.4 (MANE Select); coding-DNA position 2471, T replaced by C.
Protein change: p.Val824Ala; replaces valine 824 with alanine.
Molecular consequence: missense variant.
Genome position (GRCh38, 1-based): chr21:46,131,963, T>C. VCF-style: chr21-46131963-T-C. GRCh37 (hg19) VCF-style: chr21-47551877-T-C.
Other names: short protein forms V824A.
Identifiers: ClinVar variation 497340 (VCV000497340.16), dbSNP rs1259128571, ClinGen allele CA410547850.
Genomic context (GRCh38, chr21:46,131,963, plus strand): 5'-CGGTCCTGCCCACCTCCCCTCCGCCCAGCCCGCACCTGCGTCTCCCCACAGAGCTGTCCG[T>C]GGCACAGTGCACGCAGCGGCCCGTGGACATCGTCTTCCTGCTGGACGGCTCCGAGCGGCT-3'
Protein context (NP_001840.3, residues 814-834): PDLPCQTELS[Val824Ala]AQCTQRPVDI